The following is an entry in ClinVar:

ClinVar aggregate classification (germline): Uncertain significance (1 of 4 stars; one submission).

Conditions:
RYR1-related disorder. Also called: RYR1-related condition; RYR1-related disorders. Identifiers: MedGen CN239331.

Submission:

Labcorp Genetics (formerly Invitae), Labcorp
Classification: Uncertain significance for RYR1-related disorder. Last evaluated: 2024-10-03. Review status: criteria provided, single submitter. Criteria: Invitae Variant Classification Sherloc (09022015). Collection method: clinical testing. Allele origin: germline.
Comment: This sequence change replaces glutamine, which is neutral and polar, with histidine, which is basic and polar, at codon 474 of the RYR1 protein (p.Gln474His). This variant is not present in population databases (gnomAD no frequency). This missense change has been observed in individual(s) with central core disease (PMID: 16621918). Invitae Evidence Modeling of protein sequence and biophysical properties (such as structural, functional, and spatial information, amino acid conservation, physicochemical variation, residue mobility, and thermodynamic stability) has been performed for this missense variant. However, the output from this modeling did not meet the statistical confidence thresholds required to predict the impact of this variant on RYR1 protein function. In summary, the available evidence is currently insufficient to determine the role of this variant in disease. Therefore, it has been classified as a Variant of Uncertain Significance.

Literature cited by the submitters: PubMed 16621918.

NM_000540.3(RYR1):c.1422G>C (p.Gln474His)

Gene: RYR1 (ryanodine receptor 1; plus strand). Cytogenetic location: 19q13.2.
Variant type: single nucleotide variant.
Coding change: c.1422G>C on transcript NM_000540.3 (MANE Select); coding-DNA position 1422, G replaced by C.
Protein change: p.Gln474His; replaces glutamine 474 with histidine.
Molecular consequence: missense variant.
Genome position (GRCh38, 1-based): chr19:38,452,996, G>C. VCF-style: chr19-38452996-G-C. GRCh37 (hg19) VCF-style: chr19-38943636-G-C.
Other names: c.1422G>C, p.Gln474His (NM_001042723.2); short protein forms Q474H.
Identifiers: ClinVar variation 3636220 (VCV003636220.2).